The following is an entry in ClinVar:

ClinVar aggregate classification (germline): Uncertain significance (1 of 4 stars; one submission).

Conditions:
Early-infantile DEE. Also called: Early infantile epileptic encephalopathy; Early infantile epileptic encephalopathy with suppression bursts; Ohtahara syndrome. Identifiers: Orphanet 1934, MedGen C0393706, MONDO:0800491.

Allele frequency attached by ClinVar (database versions not stated): gnomAD exomes below 0.00001.
gnomAD v4.1: 1 of 1,614,160 alleles (0.000062%); highest among the groups gnomAD compares: Non-Finnish European, 0.000085%; no homozygotes.

Submission:

Labcorp Genetics (formerly Invitae), Labcorp
Classification: Uncertain significance for Early-infantile DEE. Last evaluated: 2023-08-10. Review status: criteria provided, single submitter. Criteria: Invitae Variant Classification Sherloc (09022015). Collection method: clinical testing. Allele origin: germline.
Comment: This sequence change replaces asparagine, which is neutral and polar, with histidine, which is basic and polar, at codon 1892 of the SPTAN1 protein (p.Asn1892His). This variant is not present in population databases (gnomAD no frequency). This variant has not been reported in the literature in individuals affected with SPTAN1-related conditions. Advanced modeling of protein sequence and biophysical properties (such as structural, functional, and spatial information, amino acid conservation, physicochemical variation, residue mobility, and thermodynamic stability) has been performed at Invitae for this missense variant, however the output from this modeling did not meet the statistical confidence thresholds required to predict the impact of this variant on SPTAN1 protein function. In summary, the available evidence is currently insufficient to determine the role of this variant in disease. Therefore, it has been classified as a Variant of Uncertain Significance.

NM_001130438.3(SPTAN1):c.5674A>C (p.Asn1892His)

Gene: SPTAN1 (spectrin alpha, non-erythrocytic 1; plus strand). Cytogenetic location: 9q34.11.
Variant type: single nucleotide variant.
Coding change: c.5674A>C on transcript NM_001130438.3 (MANE Select); coding-DNA position 5674, A replaced by C.
Protein change: p.Asn1892His; replaces asparagine 1892 with histidine.
Molecular consequence: missense variant.
Genome position (GRCh38, 1-based): chr9:128,618,944, A>C. VCF-style: chr9-128618944-A-C. GRCh37 (hg19) VCF-style: chr9-131381223-A-C.
Other names: c.5614A>C, p.Asn1872His (NM_001375314.2, NM_001363765.2); c.5710A>C, p.Asn1904His (NM_001375318.1, NM_001375312.2); c.5659A>C, p.Asn1887His (NM_003127.4); c.5599A>C, p.Asn1867His (NM_001195532.2); c.5674A>C, p.Asn1892His (NM_001363759.2, NM_001375310.1, NM_001375311.2 and 1 more transcripts); short protein forms N1872H, N1892H, N1904H, N1887H, N1867H.
Identifiers: ClinVar variation 2729558 (VCV002729558.3), dbSNP rs2541980104, ClinGen allele CA375078169.
Genomic context (GRCh38, chr9:128,618,944, plus strand): 5'-GAAGAGTCCTTGGAATATCAGCAGTTTGTAGCCAATGTGGAAGAGGAAGAAGCCTGGATC[A>C]ATGAGAAAATGACCCTGGTGGCCAGCGAAGATTATGGCGACACTCTTGCCGCCATCCAGG-3'
Protein context (NP_001123910.1, residues 1882-1902): ANVEEEEAWI[Asn1892His]EKMTLVASED